The following is an entry in ClinVar:

NM_001032382.2(PQBP1):c.430C>T (p.Arg144Cys)

Gene: PQBP1 (polyglutamine binding protein 1; plus strand). Cytogenetic location: Xp11.23.
Variant type: single nucleotide variant.
Coding change: c.430C>T on transcript NM_001032382.2 (MANE Select); coding-DNA position 430, C replaced by T.
Protein change: p.Arg144Cys; replaces arginine 144 with cysteine.
Molecular consequence: missense variant. On other transcripts: intron variant (2).
Genome position (GRCh38, 1-based): chrX:48,902,370, C>T. VCF-style: chrX-48902370-C-T. GRCh37 (hg19) VCF-style: chrX-48759647-C-T.
Other names: c.430C>T, p.Arg144Cys (NM_001032381.2, NM_001032383.2, NM_001032384.1 and 2 more transcripts); c.406C>T, p.Arg136Cys (NM_001167990.2); c.292+328C>T (NM_144495.3); c.202-72C>T (NM_001167992.1); short protein forms R136C, R144C.
Identifiers: ClinVar variation 3345851 (VCV003345851.3).

ClinVar aggregate classification (germline): Uncertain significance. Review status: criteria provided, single submitter (1 of 4 stars). 2 submissions from 2 submitters: Uncertain significance (1). 1 of the submissions does not count toward it. Last evaluated 2025-05-26.

Conditions:
Renpenning syndrome. Also called: GOLABI-ITO-HALL SYNDROME; Mental retardation, X-linked Renpenning type; X-linked mental retardation with spastic diplegia; X-linked mental retardation syndromic 3; Sutherland-Haan syndrome; MENTAL RETARDATION, X-LINKED 55. Identifiers: Orphanet 3242, MedGen C0796135, MONDO:0010653, OMIM 309500.
PQBP1-related disorder. Also called: PQBP1-related condition.

gnomAD v4.1: 2 of 1,209,904 alleles (0.00017%); highest among the groups gnomAD compares: Middle Eastern, 0.023%; no homozygotes.

Submissions (2):

Victorian Clinical Genetics Services, Murdoch Childrens Research Institute
Classification: Uncertain significance for Renpenning syndrome. Last evaluated: 2025-05-26. Review status: criteria provided, single submitter. Criteria: ACMG Guidelines, 2015. Collection method: clinical testing. Allele origin: germline. Affected: yes.
Comment: This variant is classified as VUS-3B. Evidence in support of pathogenic classification: Variant is present in gnomAD <0.01 for a recessive condition (v4: 2 heterozygote(s), 0 homozygote(s), 0 hemizygote(s)). Additional information: Variant is predicted to result in a missense amino acid change from arginine to cysteine; This variant is hemizygous; This gene is associated with X-linked recessive disease. Alternative amino acid change(s) at the same position are present in gnomAD (Highest alelle count: v4: 24 heterozygote(s), 0 homozygote(s), 4 hemizygote(s)); Previous evidence of pathogenicity for this variant is inconclusive. This variant has been classified as a VUS by a diagnostic laboratory in ClinVar; No published functional evidence has been identified for this variant; Another missense variant(s) comparable to the one identified in this case has inconclusive previous evidence for pathogenicity. p.(Arg144His) has been classified as a VUS by a diagnostic laboratory in ClinVar; Variant is not located in an established domain, motif, hotspot or informative constraint region; Missense variant with inconclusive in silico prediction and uninformative conservation; Loss of function is a known mechanism of disease in this gene and is associated with Renpenning syndrome (MIM#309500).

PreventionGenetics, part of Exact Sciences
Classification: Uncertain significance for PQBP1-related condition. Last evaluated: 2024-08-23. Review status: no assertion criteria provided. Collection method: clinical testing. Allele origin: germline. Not counted in ClinVar's aggregate classification.
Comment: The PQBP1 c.430C>T variant is predicted to result in the amino acid substitution p.Arg144Cys. To our knowledge, this variant has not been reported in the literature or in a large population database, indicating this variant is rare. At this time, the clinical significance of this variant is uncertain due to the absence of conclusive functional and genetic evidence.

Literature cited by the submitters: PubMed 31840929 (cited by Victorian Clinical Genetics Services, Murdoch Childrens Research Institute).